The following is an entry in ClinVar:

ClinVar aggregate classification (germline): Pathogenic (1 of 4 stars; one submission).

Conditions:
Ataxia-telangiectasia syndrome (AT). Also called: ATAXIA-TELANGIECTASIA, COMPLEMENTATION GROUP A; ATAXIA-TELANGIECTASIA, FRESNO VARIANT; Ataxia-telangiectasia; Ataxia-telangiectasia, complementation group E; Ataxia telangiectasia (A-T); LOUIS-BAR SYNDROME. Identifiers: Orphanet 100, MedGen C0004135, MONDO:0008840, OMIM 208900.

Submission:

Labcorp Genetics (formerly Invitae), Labcorp
Classification: Pathogenic for Ataxia-telangiectasia syndrome. Last evaluated: 2024-09-15. Review status: criteria provided, single submitter. Criteria: Invitae Variant Classification Sherloc (09022015). Collection method: clinical testing. Allele origin: germline.
Comment: This sequence change creates a premature translational stop signal (p.Leu263Phefs*13) in the ATM gene. It is expected to result in an absent or disrupted protein product. Loss-of-function variants in ATM are known to be pathogenic (PMID: 23807571, 25614872). This variant is not present in population databases (gnomAD no frequency). This variant has not been reported in the literature in individuals affected with ATM-related conditions. For these reasons, this variant has been classified as Pathogenic.

Literature cited by the submitters: PubMed 23807571; PubMed 25614872.

NM_000051.4(ATM):c.787del (p.Leu263fs)

Gene: ATM (ATM serine/threonine kinase; plus strand). Cytogenetic location: 11q22.3.
Variant type: Deletion.
Coding change: c.787del on transcript NM_000051.4 (MANE Select); coding-DNA position 787, one base deleted (C; older notation c.787delC).
Protein change: p.Leu263fs; shifts the reading frame from leucine 263.
Molecular consequence: frameshift variant.
Genome position (GRCh38, 1-based): chr11:108,244,912, C deleted. VCF-style (leftmost placement, unchanged base first): chr11-108244911-GC-G. GRCh37 (hg19) VCF-style: chr11-108115638-GC-G.
Other names: c.787del, p.Leu263fs (NM_001351834.2); short protein forms L263fs.
Identifiers: ClinVar variation 3717223 (VCV003717223.2).